The following is an entry in ClinVar:

NM_021096.4(CACNA1I):c.2930C>T (p.Pro977Leu)

Gene: CACNA1I (calcium voltage-gated channel subunit alpha1 I; plus strand). Cytogenetic location: 22q13.1.
Variant type: single nucleotide variant.
Coding change: c.2930C>T on transcript NM_021096.4 (MANE Select); coding-DNA position 2930, C replaced by T.
Protein change: p.Pro977Leu; replaces proline 977 with leucine.
Molecular consequence: missense variant.
Genome position (GRCh38, 1-based): chr22:39,661,993, C>T. VCF-style: chr22-39661993-C-T. GRCh37 (hg19) VCF-style: chr22-40057998-C-T.
Other names: c.2825C>T, p.Pro942Leu (NM_001003406.2); short protein forms P942L, P977L.
Identifiers: ClinVar variation 3765588 (VCV003765588.1).

ClinVar aggregate classification (germline): Uncertain significance (1 of 4 stars; one submission).

Submission:

Greenwood Genetic Center Diagnostic Laboratories, Greenwood Genetic Center
Classification: Uncertain significance. Last evaluated: 2024-08-15. Review status: criteria provided, single submitter. Criteria: ACMG Guidelines, 2015. Collection method: clinical testing. Allele origin: germline. Affected: yes.
Comment: PM2, PP2